The following is an entry in ClinVar:

NM_003072.5(SMARCA4):c.520C>T (p.Gln174Ter)

Gene: SMARCA4 (SWI/SNF related BAF chromatin remodeling complex subunit ATPase 4; plus strand). Cytogenetic location: 19p13.2.
Variant type: single nucleotide variant.
Coding change: c.520C>T on transcript NM_003072.5 (MANE Select); coding-DNA position 520, C replaced by T.
Protein change: p.Gln174Ter; replaces glutamine 174 with a stop codon.
Molecular consequence: nonsense. On other transcripts: non-coding transcript variant (1).
Genome position (GRCh38, 1-based): chr19:10,986,353, C>T. VCF-style: chr19-10986353-C-T. GRCh37 (hg19) VCF-style: chr19-11097029-C-T.
Other names: c.520C>T, p.Gln174Ter (NM_001128844.3, NM_001128845.2, NM_001128846.2 and 6 more transcripts); short protein forms Q174*.
Identifiers: ClinVar variation 3644734 (VCV003644734.2).

ClinVar aggregate classification (germline): Pathogenic (1 of 4 stars; one submission).

Conditions:
Rhabdoid tumor predisposition syndrome 2 (RTPS2). Identifiers: Orphanet 231108, Orphanet 69077, MedGen C2750074, MONDO:0013224, OMIM 613325.

Submission:

Labcorp Genetics (formerly Invitae), Labcorp
Classification: Pathogenic for Rhabdoid tumor predisposition syndrome 2. Last evaluated: 2024-03-06. Review status: criteria provided, single submitter. Criteria: Invitae Variant Classification Sherloc (09022015). Collection method: clinical testing. Allele origin: germline.
Comment: This sequence change creates a premature translational stop signal (p.Gln174*) in the SMARCA4 gene. It is expected to result in an absent or disrupted protein product. Loss-of-function variants in SMARCA4 are known to be pathogenic (PMID: 24658001, 24658002). This variant is not present in population databases (gnomAD no frequency). This variant has not been reported in the literature in individuals affected with SMARCA4-related conditions. For these reasons, this variant has been classified as Pathogenic.

Literature cited by the submitters: PubMed 24658001; PubMed 24658002.